The following is an entry in ClinVar:

NM_015202.5(KATNIP):c.4802C>T (p.Ala1601Val)

Gene: KATNIP (katanin interacting protein; plus strand). Cytogenetic location: 16p12.1.
Variant type: single nucleotide variant.
Coding change: c.4802C>T on transcript NM_015202.5 (MANE Select); coding-DNA position 4802, C replaced by T.
Protein change: p.Ala1601Val; replaces alanine 1601 with valine.
Molecular consequence: missense variant.
Genome position (GRCh38, 1-based): chr16:27,778,574, C>T. VCF-style: chr16-27778574-C-T. GRCh37 (hg19) VCF-style: chr16-27789895-C-T.
Other names: short protein forms A1601V.
Identifiers: ClinVar variation 2165566 (VCV002165566.4), dbSNP rs756162835, ClinGen allele CA279748205.
Genomic context (GRCh38, chr16:27,778,574, plus strand): 5'-GGCACCCCTCCAGGGTTTGAGACTTAGTAACTCTGGTCCCTCTGTTCCCTGTCATGACAG[C>T]CTTACGTCCCAAAACCTGCATCAGCGAGAAGGAGACGAGACGACGGCGCTGCTGACTGGT-3'
Protein context (NP_056017.4, residues 1591-1611): AKRKQSVVDP[Ala1601Val]LRPKTCISEK

ClinVar aggregate classification (germline): Uncertain significance (1 of 4 stars; one submission).

gnomAD v4.1: 10 of 1,613,544 alleles (0.00062%); highest among the groups gnomAD compares: East Asian, 0.0022%; no homozygotes.

Submission:

Labcorp Genetics (formerly Invitae), Labcorp
Classification: Uncertain significance. Last evaluated: 2024-10-17. Review status: criteria provided, single submitter. Criteria: Invitae Variant Classification Sherloc (09022015). Collection method: clinical testing. Allele origin: germline.
Comment: This sequence change replaces alanine, which is neutral and non-polar, with valine, which is neutral and non-polar, at codon 1601 of the KIAA0556 protein (p.Ala1601Val). This variant is present in population databases (no rsID available, gnomAD 0.0009%). This variant has not been reported in the literature in individuals affected with KIAA0556-related conditions. ClinVar contains an entry for this variant (Variation ID: 2165566). An algorithm developed to predict the effect of missense changes on protein structure and function (PolyPhen-2) suggests that this variant is likely to be disruptive. In summary, the available evidence is currently insufficient to determine the role of this variant in disease. Therefore, it has been classified as a Variant of Uncertain Significance.